The following is an entry in ClinVar:

NM_001276270.2(MBD4):c.1184-2A>G

Gene: MBD4 (methyl-CpG binding domain 4, DNA glycosylase; minus strand). Cytogenetic location: 3q21.3.
Variant type: single nucleotide variant.
Coding change: c.1184-2A>G on transcript NM_001276270.2 (MANE Select); the canonical splice acceptor site of the intron before coding-DNA position 1184, A replaced by G.
Molecular consequence: splice acceptor variant.
Genome position (GRCh38, 1-based): chr3:129,434,138, T>C on the plus strand (A>G on the coding strand, the complement: MBD4 is on the minus strand). VCF-style: chr3-129434138-T-C. GRCh37 (hg19) VCF-style: chr3-129152981-T-C.
Other names: c.248-2A>G (NM_001276273.2); c.1202-2A>G (NM_001276272.2, NM_003925.3, NM_001276271.2).
Identifiers: ClinVar variation 4859580 (VCV004859580.1).

ClinVar aggregate classification (germline): Uncertain significance (1 of 4 stars; one submission).

Conditions:
Inborn genetic diseases. Identifiers: MedGen C0950123, MeSH D030342.

Submission:

Ambry Genetics
Classification: Uncertain significance for Inborn genetic diseases. Last evaluated: 2026-04-23. Review status: criteria provided, single submitter. Criteria: Ambry Variant Classification Scheme 2023. Collection method: clinical testing. Allele origin: germline.
Comment: The c.1184-2A>G intronic variant results from an A to G substitution two nucleotides upstream from coding exon 4 in the MBD4 gene. Variants that disrupt the canonical splice site are expected to result in aberrant splicing. In silico splice site analysis predicts that this alteration will weaken the native splice acceptor site. A resulting transcript is predicted to be in-frame and is not expected to trigger nonsense-mediated mRNAdecay; although, direct evidence is unavailable. This nucleotide position is highly conserved in available vertebrate species. Based on the available evidence, the clinical significance of this variant remains unclear.